The following is an entry in ClinVar:

NM_001267727.2(ARSG):c.1153C>T (p.Arg385Cys)

Gene: ARSG (arylsulfatase G; plus strand). Cytogenetic location: 17q24.2.
Variant type: single nucleotide variant.
Coding change: c.1153C>T on transcript NM_001267727.2 (MANE Select); coding-DNA position 1153, C replaced by T.
Protein change: p.Arg385Cys; replaces arginine 385 with cysteine.
Molecular consequence: missense variant.
Genome position (GRCh38, 1-based): chr17:68,395,134, C>T. VCF-style: chr17-68395134-C-T. GRCh37 (hg19) VCF-style: chr17-66391275-C-T.
Other names: c.1153C>T, p.Arg385Cys (NM_001352899.2, NM_001352900.2, NM_001352901.2 and 3 more transcripts); c.1150C>T, p.Arg384Cys (NM_001352903.2, NM_001352904.2, NM_001352905.2 and 2 more transcripts); c.1105C>T, p.Arg369Cys (NM_001352909.2); c.1153C>T (NM_014960.3); short protein forms R384C, R385C, R369C.
Identifiers: ClinVar variation 2049242 (VCV002049242.4), dbSNP rs370480016, ClinGen allele CA8728500.

ClinVar aggregate classification (germline): Uncertain significance. Review status: criteria provided, multiple submitters, no conflicts (2 of 4 stars). 3 submissions from 3 submitters: Uncertain significance (3). Last evaluated 2025-11-26.

Allele frequency attached by ClinVar (database versions not stated): ExAC 0.00003; gnomAD exomes 0.00003; TOPMed 0.00003; gnomAD 0.00005; ESP Exome Variant Server 0.00008.
gnomAD v4.1: 45 of 1,614,018 alleles (0.0028%); highest among the groups gnomAD compares: Admixed American, 0.015%; no homozygotes.

Submissions (3):

Ambry Genetics
Classification: Uncertain significance. Last evaluated: 2025-11-26. Review status: criteria provided, single submitter. Criteria: Ambry Variant Classification Scheme 2023. Collection method: clinical testing. Allele origin: germline.

Blueprint Genetics
Classification: Uncertain significance. Last evaluated: 2023-10-02. Review status: criteria provided, single submitter. Criteria: ACMG Guidelines, 2015. Collection method: clinical testing. Allele origin: germline.

Labcorp Genetics (formerly Invitae), Labcorp
Classification: Uncertain significance. Last evaluated: 2022-05-15. Review status: criteria provided, single submitter. Criteria: Invitae Variant Classification Sherloc (09022015). Collection method: clinical testing. Allele origin: germline.
Comment: This sequence change replaces arginine, which is basic and polar, with cysteine, which is neutral and slightly polar, at codon 385 of the ARSG protein (p.Arg385Cys). This variant is present in population databases (rs370480016, gnomAD 0.02%). This variant has not been reported in the literature in individuals affected with ARSG-related conditions. Algorithms developed to predict the effect of missense changes on protein structure and function (SIFT, PolyPhen-2, Align-GVGD) all suggest that this variant is likely to be disruptive. Algorithms developed to predict the effect of sequence changes on RNA splicing suggest that this variant may create or strengthen a splice site. In summary, the available evidence is currently insufficient to determine the role of this variant in disease. Therefore, it has been classified as a Variant of Uncertain Significance.